The following is an entry in ClinVar:

ClinVar aggregate classification (germline): Uncertain significance. Review status: criteria provided, multiple submitters, no conflicts (2 of 4 stars). 2 submissions from 2 submitters: Uncertain significance (2). Last evaluated 2025-10-24.

Conditions:
Norman-Roberts syndrome (LIS2). Also called: Lissencephaly 2 (Norman-Roberts type). Identifiers: Orphanet 89844, MedGen C0796089, MONDO:0009760, OMIM 257320.
Familial temporal lobe epilepsy 7. Identifiers: Orphanet 101046, MedGen C4225327, MONDO:0014639, OMIM 616436.
Inborn genetic diseases. Identifiers: MedGen C0950123, MeSH D030342.

Allele frequency attached by ClinVar (database versions not stated): gnomAD exomes below 0.00001; ExAC 0.00001.
gnomAD v4.1: 3 of 1,613,672 alleles (0.00019%); highest among the groups gnomAD compares: Admixed American, 0.005%; no homozygotes.

Submissions (2):

Ambry Genetics
Classification: Uncertain significance for Inborn genetic diseases. Last evaluated: 2025-10-24. Review status: criteria provided, single submitter. Criteria: Ambry Variant Classification Scheme 2023. Collection method: clinical testing. Allele origin: germline.

Labcorp Genetics (formerly Invitae), Labcorp
Classification: Uncertain significance for Familial temporal lobe epilepsy 7; Norman-Roberts syndrome. Last evaluated: 2022-04-26. Review status: criteria provided, single submitter. Criteria: Invitae Variant Classification Sherloc (09022015). Collection method: clinical testing. Allele origin: germline.
Comment: Algorithms developed to predict the effect of missense changes on protein structure and function (SIFT, PolyPhen-2, Align-GVGD) all suggest that this variant is likely to be tolerated. In summary, the available evidence is currently insufficient to determine the role of this variant in disease. Therefore, it has been classified as a Variant of Uncertain Significance. This variant has not been reported in the literature in individuals affected with RELN-related conditions. This variant is present in population databases (rs750831468, gnomAD 0.003%). This sequence change replaces threonine, which is neutral and polar, with serine, which is neutral and polar, at codon 1891 of the RELN protein (p.Thr1891Ser).

NM_005045.4(RELN):c.5672C>G (p.Thr1891Ser)

Gene: RELN (reelin; minus strand). Cytogenetic location: 7q22.1.
Variant type: single nucleotide variant.
Coding change: c.5672C>G on transcript NM_005045.4 (MANE Select); coding-DNA position 5672, C replaced by G.
Protein change: p.Thr1891Ser; replaces threonine 1891 with serine.
Molecular consequence: missense variant.
Genome position (GRCh38, 1-based): chr7:103,557,102, G>C on the plus strand (C>G on the coding strand, the complement: RELN is on the minus strand). VCF-style: chr7-103557102-G-C. GRCh37 (hg19) VCF-style: chr7-103197549-G-C.
Other names: c.5672C>G, p.Thr1891Ser (NM_173054.3); c.5672C>G (NM_005045.3); short protein forms T1891S.
Identifiers: ClinVar variation 1488317 (VCV001488317.9), dbSNP rs750831468, ClinGen allele CA4421134.
Genomic context (GRCh38, chr7:103,557,102, plus strand): 5'-ACATTGATGAAAAGTATATTCGTTGTTTGAGGAAAGTAAAATTCATCCATCAGGTGCCAA[G>C]TGATTCCTCCACTGATGGAGAATTGTAACAGAATAGAGTGAGATCTCTCTGGGGTACCTA-3'
Protein context (NP_005036.2, residues 1881-1901): LLQFSISGGI[Thr1891Ser]WHLMDEFYFP